The following is an entry in ClinVar:

NC_000016.9:g.(?_14693741)_(14704686_?)dup

Gene: PARN (poly(A)-specific ribonuclease; minus strand). Cytogenetic location: 16p13.12.
Variant type: Duplication.
Identifiers: ClinVar variation 1507779 (VCV001507779.8).

ClinVar aggregate classification (germline): Likely pathogenic (1 of 4 stars; one submission).

Conditions:
Dyskeratosis congenita, autosomal recessive 6 (DKCB6). Identifiers: MedGen C4225356, MONDO:0014600, OMIM 616353.
Pulmonary fibrosis and/or bone marrow failure, Telomere-related, 4. Also called: PULMONARY FIBROSIS AND/OR BONE MARROW FAILURE SYNDROME, TELOMERE-RELATED, 4. Identifiers: Orphanet 2032, MedGen C4225347, MONDO:0014612, OMIM 616371.

Submission:

Labcorp Genetics (formerly Invitae), Labcorp
Classification: Likely pathogenic for Dyskeratosis congenita, autosomal recessive 6; Pulmonary fibrosis and/or bone marrow failure, Telomere-related, 4. Last evaluated: 2020-11-04. Review status: criteria provided, single submitter. Criteria: Invitae Variant Classification Sherloc (09022015). Collection method: clinical testing. Allele origin: germline.
Comment: In summary, the currently available evidence indicates that the variant is pathogenic, but additional data are needed to prove that conclusively. Therefore, this variant has been classified as Likely Pathogenic. This variant has not been reported in the literature in individuals with PARN-related conditions. This variant results in a copy number gain of the genomic region encompassing exon(s) 7-12 of the PARN gene. While the exact position of this variant cannot be determined from the data, sub-genic copy number gains are generally in tandem (PMID: 25640679). This variant is predicted to be out-of-frame, and may result in an absent or disrupted protein product. Loss-of-function variants in PARN are known to be pathogenic (PMID: 9736620, 25848748, 26810774).

Literature cited by the submitters: PubMed 25640679; PubMed 9736620; PubMed 25848748; PubMed 26810774.